The following is an entry in ClinVar:

ClinVar aggregate classification (germline): Pathogenic. Review status: criteria provided, multiple submitters, no conflicts (2 of 4 stars). 3 submissions from 3 submitters: Pathogenic (3). Last evaluated 2024-05-08.

Conditions:
Fanconi anemia (FA). Also called: Fanconi's anemia. Identifiers: Orphanet 84, MedGen C0015625, MeSH D005199, MONDO:0019391.
Fanconi anemia complementation group A (FANCA). Also called: FANCA-Related Fanconi Anemia; Fanconi anemia, group A. Identifiers: Orphanet 84, MedGen C3469521, MONDO:0009215, OMIM 227650.

Submissions (3):

Myriad Genetics, Inc.
Classification: Pathogenic for Fanconi anemia complementation group A. Last evaluated: 2024-05-08. Review status: criteria provided, single submitter. Criteria: Myriad Autosomal Dominant, Autosomal Recessive and X-Linked Classification Criteria (2023). Collection method: clinical testing. Allele origin: unknown.
Comment: NM_000135.2(FANCA):c.427A>T(K143*) is expected to be pathogenic in the context of Fanconi anemia complementation group A. This variant is predicted to lead to an abnormal or absent protein product due to the creation of a premature termination codon in FANCA, a gene where loss-of-function variants are known to be pathogenic. Please note: this variant was assessed in the context of healthy population screening.

Labcorp Genetics (formerly Invitae), Labcorp
Classification: Pathogenic for Fanconi anemia. Last evaluated: 2020-01-03. Review status: criteria provided, single submitter. Criteria: Invitae Variant Classification Sherloc (09022015). Collection method: clinical testing. Allele origin: germline.
Comment: Algorithms developed to predict the effect of sequence changes on RNA splicing suggest that this variant may disrupt the consensus splice site, but this prediction has not been confirmed by published transcriptional studies. For these reasons, this variant has been classified as Pathogenic. Loss-of-function variants in FANCA are known to be pathogenic (PMID: 19367192). This variant has not been reported in the literature in individuals with FANCA-related conditions. ClinVar contains an entry for this variant (Variation ID: 488514). This variant is not present in population databases (ExAC no frequency). This sequence change creates a premature translational stop signal (p.Lys143*) in the FANCA gene. It is expected to result in an absent or disrupted protein product.

Institute of Human Genetics Munich, TUM University Hospital
Classification: Pathogenic for Fanconi anemia complementation group A. Last evaluated: 2017-11-16. Review status: criteria provided, single submitter. Criteria: Classification criteria August 2017. Collection method: clinical testing. Allele origin: inherited. Inheritance: Autosomal recessive inheritance. Affected: yes. Observed: 1 homozygote.

Literature cited by the submitters: PubMed 19367192 (cited by Labcorp Genetics (formerly Invitae), Labcorp).

NM_000135.4(FANCA):c.427A>T (p.Lys143Ter)

Gene: FANCA (FA complementation group A; minus strand). Cytogenetic location: 16q24.3.
Variant type: single nucleotide variant.
Coding change: c.427A>T on transcript NM_000135.4 (MANE Select); coding-DNA position 427, A replaced by T.
Protein change: p.Lys143Ter; replaces lysine 143 with a stop codon.
Molecular consequence: nonsense. On other transcripts: intron variant (1).
Genome position (GRCh38, 1-based): chr16:89,810,802, T>A on the plus strand (A>T on the coding strand, the complement: FANCA is on the minus strand). VCF-style: chr16-89810802-T-A. GRCh37 (hg19) VCF-style: chr16-89877210-T-A.
Other names: c.427A>T, p.Lys143Ter (NM_001018112.3, NM_001286167.3); c.426+127A>T (NM_001351830.2); short protein forms K143*.
Identifiers: ClinVar variation 488514 (VCV000488514.11), dbSNP rs539460201, ClinGen allele CA397480839.